The following is an entry in ClinVar:

ClinVar aggregate classification (germline): Uncertain significance. Review status: criteria provided, multiple submitters, no conflicts (2 of 4 stars). 2 submissions from 2 submitters: Uncertain significance (2). Last evaluated 2025-12-10.

Conditions:
Cardiovascular phenotype. Identifiers: MedGen CN230736.
DK1-congenital disorder of glycosylation. Also called: CONGENITAL DISORDER OF GLYCOSYLATION, TYPE Im; DK1 DEFICIENCY; DOLICHOL KINASE DEFICIENCY; DK1-CDG; DOLK-congenital disorder of glycosylation; Carbohydrate deficient glycoprotein syndrome type 1m. Identifiers: Orphanet 91131, MedGen C1835849, MONDO:0012556, OMIM 610768.

Allele frequency attached by ClinVar (database versions not stated): gnomAD exomes below 0.00001; TOPMed below 0.00001; gnomAD 0.00001.

Submissions (2):

Ambry Genetics
Classification: Uncertain significance for Cardiovascular phenotype. Last evaluated: 2025-12-10. Review status: criteria provided, single submitter. Criteria: Ambry Variant Classification Scheme 2023. Collection method: clinical testing. Allele origin: germline.
Comment: The p.M155L variant (also known as c.463A>T), located in coding exon 1 of the DOLK gene, results from an A to T substitution at nucleotide position 463. The methionine at codon 155 is replaced by leucine, an amino acid with highly similar properties. This amino acid position is not well conserved in available vertebrate species, and leucine is the reference amino acid in other vertebrate species. In addition, this alteration is predicted to be tolerated by in silico analysis. Since supporting evidence is limited at this time, the clinical significance of this alteration remains unclear.

Labcorp Genetics (formerly Invitae), Labcorp
Classification: Uncertain significance for DK1-congenital disorder of glycosylation. Last evaluated: 2020-06-16. Review status: criteria provided, single submitter. Criteria: Invitae Variant Classification Sherloc (09022015). Collection method: clinical testing. Allele origin: germline.
Comment: Algorithms developed to predict the effect of missense changes on protein structure and function output the following: SIFT: "Tolerated"; PolyPhen-2: "Benign"; Align-GVGD: "Class C0". The leucine amino acid residue is found in multiple mammalian species, suggesting that this missense change does not adversely affect protein function. These predictions have not been confirmed by published functional studies and their clinical significance is uncertain. In summary, the available evidence is currently insufficient to determine the role of this variant in disease. Therefore, it has been classified as a Variant of Uncertain Significance. This variant has not been reported in the literature in individuals with DOLK-related conditions. This variant is not present in population databases (ExAC no frequency). This sequence change replaces methionine with leucine at codon 155 of the DOLK protein (p.Met155Leu). The methionine residue is moderately conserved and there is a small physicochemical difference between methionine and leucine.

NM_014908.4(DOLK):c.463A>T (p.Met155Leu)

Gene: DOLK (dolichol kinase; minus strand). Cytogenetic location: 9q34.11.
Variant type: single nucleotide variant.
Coding change: c.463A>T on transcript NM_014908.4 (MANE Select); coding-DNA position 463, A replaced by T.
Protein change: p.Met155Leu; replaces methionine 155 with leucine.
Molecular consequence: missense variant.
Genome position (GRCh38, 1-based): chr9:128,946,841, T>A on the plus strand (A>T on the coding strand, the complement: DOLK is on the minus strand). VCF-style: chr9-128946841-T-A. GRCh37 (hg19) VCF-style: chr9-131709120-T-A.
Other names: short protein forms M155L.
Identifiers: ClinVar variation 1016564 (VCV001016564.10), dbSNP rs1218829181, ClinGen allele CA375125477.